The following is an entry in ClinVar:

ClinVar aggregate classification (germline): Conflicting classifications of pathogenicity. Review status: criteria provided, conflicting classifications (1 of 4 stars). 3 submissions from 3 submitters: Likely pathogenic (2); Uncertain significance (1). Last evaluated 2025-10-23.

Conditions:
Bone mineral density quantitative trait locus 1 (BMND1). Identifiers: MedGen C1866079, OMIM 601884.
Worth disease. Also called: ENDOSTEAL HYPEROSTOSIS, AUTOSOMAL DOMINANT; Autosomal dominant osteosclerosis, Worth type; OSTEOSCLEROSIS, AUTOSOMAL DOMINANT. Identifiers: Orphanet 2790, MedGen C0432273, MONDO:0007764, OMIM 144750.
Exudative vitreoretinopathy 4 (EVR4). Identifiers: Orphanet 891, MedGen C1866176, MONDO:0011151, OMIM 601813.
Autosomal dominant osteopetrosis 1 (OPTA1). Also called: OSTEOPETROSIS, AUTOSOMAL DOMINANT, TYPE I. Identifiers: Orphanet 2783, MedGen C1843330, MONDO:0011877, OMIM 607634.
Osteoporosis with pseudoglioma (OPPG). Also called: osteoporosis-pseudoglioma syndrome. Identifiers: Orphanet 2788, MedGen C0432252, MONDO:0009820, OMIM 259770.
Polycystic liver disease 4 with or without kidney cysts. Identifiers: MedGen C4693479, MONDO:0044327, OMIM 617875.

Allele frequency attached by ClinVar (database versions not stated): ExAC 0.00001; gnomAD 0.00001; gnomAD exomes 0.00001; TOPMed 0.00001.
gnomAD v4.1: 8 of 1,613,912 alleles (0.0005%); highest among the groups gnomAD compares: African/African-American, 0.0013%; no homozygotes.

Submissions (3):

Labcorp Genetics (formerly Invitae), Labcorp
Classification: Likely pathogenic. Last evaluated: 2025-10-23. Review status: criteria provided, single submitter. Criteria: Invitae Variant Classification Sherloc (09022015). Collection method: clinical testing. Allele origin: germline.
Comment: This sequence change replaces glycine, which is neutral and non-polar, with arginine, which is basic and polar, at codon 404 of the LRP5 protein (p.Gly404Arg). This variant is present in population databases (rs750791263, gnomAD 0.005%). This missense change has been observed in individuals with autosomal recessive familial exudative vitreoretinopathy (PMID: 16252235, 35277167). ClinVar contains an entry for this variant (Variation ID: 1520877). Invitae Evidence Modeling of protein sequence and biophysical properties (such as structural, functional, and spatial information, amino acid conservation, physicochemical variation, residue mobility, and thermodynamic stability) indicates that this missense variant is expected to disrupt LRP5 protein function with a positive predictive value of 95%. Experimental studies have shown that this missense change affects LRP5 function (PMID: 16252235). In summary, the currently available evidence indicates that the variant is pathogenic, but additional data are needed to prove that conclusively. Therefore, this variant has been classified as Likely Pathogenic.

Fulgent Genetics
Classification: Likely pathogenic for Worth disease; Osteoporosis with pseudoglioma; Exudative vitreoretinopathy 4; Bone mineral density quantitative trait locus 1; Autosomal dominant osteopetrosis 1; Polycystic liver disease 4 with or without kidney cysts. Last evaluated: 2024-03-28. Review status: criteria provided, single submitter. Criteria: ACMG Guidelines, 2015. Collection method: clinical testing. Allele origin: germline.

Blueprint Genetics
Classification: Uncertain significance. Last evaluated: 2022-05-26. Review status: criteria provided, single submitter. Criteria: ACMG Guidelines, 2015. Collection method: clinical testing. Allele origin: germline.

Literature cited by the submitters: PubMed 16252235 (cited by Labcorp Genetics (formerly Invitae), Labcorp); PubMed 35277167 (cited by Labcorp Genetics (formerly Invitae), Labcorp).

NM_002335.4(LRP5):c.1210G>A (p.Gly404Arg)

Gene: LRP5 (LDL receptor related protein 5; plus strand). Cytogenetic location: 11q13.2.
Variant type: single nucleotide variant.
Coding change: c.1210G>A on transcript NM_002335.4 (MANE Select); coding-DNA position 1210, G replaced by A.
Protein change: p.Gly404Arg; replaces glycine 404 with arginine.
Molecular consequence: missense variant. On other transcripts: 5 prime UTR variant (1).
Genome position (GRCh38, 1-based): chr11:68,386,510, G>A. VCF-style: chr11-68386510-G-A. GRCh37 (hg19) VCF-style: chr11-68153978-G-A.
Other names: c.-556G>A (NM_001291902.2); short protein forms G404R.
Identifiers: ClinVar variation 1520877 (VCV001520877.8), dbSNP rs750791263, ClinGen allele CA6149271.